The following is an entry in ClinVar:

NM_020975.6(RET):c.931G>T (p.Val311Leu)

Gene: RET (ret proto-oncogene; plus strand). Cytogenetic location: 10q11.21.
Variant type: single nucleotide variant.
Coding change: c.931G>T on transcript NM_020975.6 (MANE Select); coding-DNA position 931, G replaced by T.
Protein change: p.Val311Leu; replaces valine 311 with leucine.
Molecular consequence: missense variant.
Genome position (GRCh38, 1-based): chr10:43,106,439, G>T. VCF-style: chr10-43106439-G-T. GRCh37 (hg19) VCF-style: chr10-43601887-G-T.
Other names: c.931G>T, p.Val311Leu (NM_000323.2, NM_001406743.1, NM_001406744.1 and 6 more transcripts); c.169G>T, p.Val57Leu (NM_001355216.2); c.802G>T, p.Val268Leu (NM_001406761.1, NM_001406762.1, NM_001406764.1 and 1 more transcripts); c.643G>T, p.Val215Leu (NM_001406766.1, NM_001406767.1, NM_001406770.1); short protein forms V311L, V57L, V215L, V268L.
Identifiers: ClinVar variation 486319 (VCV000486319.18), dbSNP rs1311500725, ClinGen allele CA376545965.

ClinVar aggregate classification (germline): Conflicting classifications of pathogenicity. Review status: criteria provided, conflicting classifications (1 of 4 stars). 3 submissions from 3 submitters: Uncertain significance (2); Likely benign (1). Last evaluated 2026-08-10.

Conditions:
RET-related disorder. Also called: RET-related condition; RET-related disease; RET-related disorders.
Hereditary cancer-predisposing syndrome. Also called: Neoplastic Syndromes, Hereditary; Hereditary neoplastic syndrome; Hereditary Cancer Syndrome; Tumor predisposition. Identifiers: Orphanet 140162, MedGen C0027672, MeSH D009386, MONDO:0015356.
Multiple endocrine neoplasia, type 2 (MEN2). Identifiers: Orphanet 653, MedGen C4048306, MONDO:0019003. Disease mechanism: gain of function.

Allele frequency attached by ClinVar (database versions not stated): gnomAD exomes below 0.00001.
gnomAD v4.1: 12 of 1,613,580 alleles (0.00074%); highest among the groups gnomAD compares: Non-Finnish European, 0.001%; no homozygotes.

Submissions (3):

Ambry Genetics
Classification: Likely benign for Hereditary cancer-predisposing syndrome. Last evaluated: 2026-08-10. Review status: criteria provided, single submitter. Criteria: Ambry Variant Classification Scheme 2023. Collection method: clinical testing. Allele origin: germline.

Labcorp Genetics (formerly Invitae), Labcorp
Classification: Uncertain significance for Multiple endocrine neoplasia, type 2. Last evaluated: 2024-06-21. Review status: criteria provided, single submitter. Criteria: Invitae Variant Classification Sherloc (09022015). Collection method: clinical testing. Allele origin: germline.
Comment: This sequence change replaces valine, which is neutral and non-polar, with leucine, which is neutral and non-polar, at codon 311 of the RET protein (p.Val311Leu). The frequency data for this variant in the population databases is considered unreliable, as metrics indicate poor data quality at this position in the gnomAD database. This variant has not been reported in the literature in individuals affected with RET-related conditions. ClinVar contains an entry for this variant (Variation ID: 486319). Algorithms developed to predict the effect of missense changes on protein structure and function output the following: SIFT: "Not Available"; PolyPhen-2: "Benign"; Align-GVGD: "Not Available". The leucine amino acid residue is found in multiple mammalian species, which suggests that this missense change does not adversely affect protein function. In summary, the available evidence is currently insufficient to determine the role of this variant in disease. Therefore, it has been classified as a Variant of Uncertain Significance.

PreventionGenetics, part of Exact Sciences
Classification: Uncertain significance for RET-related condition. Last evaluated: 2023-05-30. Review status: criteria provided, single submitter. Criteria: ACMG Guidelines, 2015. Collection method: clinical testing. Allele origin: germline.
Comment: The RET c.931G>T variant is predicted to result in the amino acid substitution p.Val311Leu. To our knowledge, this variant has not been reported in the literature. This variant is reported in 1 of ~249,000 alleles in gnomAD. This variant is interpreted as uncertain significance in ClinVar. At this time, the clinical significance of this variant is uncertain due to the absence of conclusive functional and genetic evidence.